The following is an entry in ClinVar:

NM_001184.4(ATR):c.7063T>A (p.Ser2355Thr)

Gene: ATR (ATR serine/threonine kinase; minus strand). Cytogenetic location: 3q23.
Variant type: single nucleotide variant.
Coding change: c.7063T>A on transcript NM_001184.4 (MANE Select); coding-DNA position 7063, T replaced by A.
Protein change: p.Ser2355Thr; replaces serine 2355 with threonine.
Molecular consequence: missense variant.
Genome position (GRCh38, 1-based): chr3:142,462,069, A>T on the plus strand (T>A on the coding strand, the complement: ATR is on the minus strand). VCF-style: chr3-142462069-A-T. GRCh37 (hg19) VCF-style: chr3-142180911-A-T.
Other names: c.6871T>A, p.Ser2291Thr (NM_001354579.2); short protein forms S2355T, S2291T.
Identifiers: ClinVar variation 3463064 (VCV003463064.1).

ClinVar aggregate classification (germline): Uncertain significance (1 of 4 stars; one submission).

Conditions:
Inborn genetic diseases. Identifiers: MedGen C0950123, MeSH D030342.

Submission:

Ambry Genetics
Classification: Uncertain significance for Inborn genetic diseases. Last evaluated: 2024-10-14. Review status: criteria provided, single submitter. Criteria: Ambry Variant Classification Scheme 2023. Collection method: clinical testing. Allele origin: germline.
Comment: The p.S2355T variant (also known as c.7063T>A), located in coding exon 42 of the ATR gene, results from a T to A substitution at nucleotide position 7063. The serine at codon 2355 is replaced by threonine, an amino acid with similar properties. This amino acid position is conserved. In addition, this alteration is predicted to be tolerated by in silico analysis. Based on the available evidence, the clinical significance of this variant remains unclear.